The following is an entry in ClinVar:

ClinVar aggregate classification (germline): Likely benign. Review status: criteria provided, multiple submitters, no conflicts (2 of 4 stars). 3 submissions from 3 submitters: Likely benign (2). 1 of the submissions does not count toward it. Last evaluated 2024-08-21.

Conditions:
FAT4-related disorder. Also called: FAT4-related condition.

Allele frequency attached by ClinVar (database versions not stated): TOPMed 0.00001; ExAC 0.00002; gnomAD 0.00002; gnomAD exomes 0.00002.
gnomAD v4.1: 39 of 1,614,102 alleles (0.0024%); highest among the groups gnomAD compares: Non-Finnish European, 0.0031%; no homozygotes.

Submissions (3):

Labcorp Genetics (formerly Invitae), Labcorp
Classification: Likely benign. Last evaluated: 2024-08-21. Review status: criteria provided, single submitter. Criteria: Invitae Variant Classification Sherloc (09022015). Collection method: clinical testing. Allele origin: germline.

Blueprint Genetics
Classification: Likely benign. Last evaluated: 2024-03-21. Review status: criteria provided, single submitter. Criteria: ACMG Guidelines, 2015. Collection method: clinical testing. Allele origin: germline.

PreventionGenetics, part of Exact Sciences
Classification: Likely benign for FAT4-related condition. Last evaluated: 2020-06-26. Review status: no assertion criteria provided. Collection method: clinical testing. Allele origin: germline. Not counted in ClinVar's aggregate classification.
Comment: This variant is classified as likely benign based on ACMG/AMP sequence variant interpretation guidelines (Richards et al. 2015 PMID: 25741868, with internal and published modifications).

NM_001291303.3(FAT4):c.2376A>G (p.Val792=)

Gene: FAT4 (FAT atypical cadherin 4; plus strand). Cytogenetic location: 4q28.1.
Variant type: single nucleotide variant.
Coding change: c.2376A>G on transcript NM_001291303.3 (MANE Select); coding-DNA position 2376, A replaced by G.
Protein change: p.Val792=; no amino-acid change (valine 792 retained).
Molecular consequence: synonymous variant.
Genome position (GRCh38, 1-based): chr4:125,318,787, A>G. VCF-style: chr4-125318787-A-G. GRCh37 (hg19) VCF-style: chr4-126239942-A-G.
Other names: c.2376A>G, p.Val792= (NM_001291285.3, NM_024582.6); c.2376A>G (NM_024582.4).
Identifiers: ClinVar variation 1459826 (VCV001459826.11), dbSNP rs779400775, ClinGen allele CA3072158.